The following is an entry in ClinVar:

NM_001046.3(SLC12A2):c.1208T>C (p.Ile403Thr)

Gene: SLC12A2 (solute carrier family 12 member 2; plus strand). Cytogenetic location: 5q23.3.
Variant type: single nucleotide variant.
Coding change: c.1208T>C on transcript NM_001046.3 (MANE Select); coding-DNA position 1208, T replaced by C.
Protein change: p.Ile403Thr; replaces isoleucine 403 with threonine.
Molecular consequence: missense variant. On other transcripts: non-coding transcript variant (1).
Genome position (GRCh38, 1-based): chr5:128,134,184, T>C. VCF-style: chr5-128134184-T-C. GRCh37 (hg19) VCF-style: chr5-127469876-T-C.
Other names: c.1208T>C, p.Ile403Thr (NM_001256461.2); short protein forms I403T.
Identifiers: ClinVar variation 4165933 (VCV004165933.2).

ClinVar aggregate classification (germline): Uncertain significance. Review status: criteria provided, multiple submitters, no conflicts (2 of 4 stars). 2 submissions from 2 submitters: Uncertain significance (2). Last evaluated 2026-09-21.

Conditions:
Inborn genetic diseases. Identifiers: MedGen C0950123, MeSH D030342.
SLC12A2-related disorder. Also called: SLC12A2-related disorders; SLC12A2-related condition.

gnomAD v4.1: 19 of 1,576,078 alleles (0.0012%); highest among the groups gnomAD compares: African/African-American, 0.026%; no homozygotes.

Submissions (2):

PreventionGenetics, part of Exact Sciences
Classification: Uncertain significance for SLC12A2-related condition. Last evaluated: 2026-09-21. Review status: criteria provided, single submitter. Criteria: ACMG Guidelines, 2015. Collection method: clinical testing. Allele origin: germline.
Comment: The SLC12A2 c.1208T>C variant is predicted to result in the amino acid substitution p.Ile403Thr. To our knowledge, this variant has not been reported in the literature. This variant is reported in 0.028% of alleles in individuals of African descent in gnomAD. At this time, the clinical significance of this variant is uncertain due to the absence of conclusive functional and genetic evidence.

Ambry Genetics
Classification: Uncertain significance for Inborn genetic diseases. Last evaluated: 2025-06-26. Review status: criteria provided, single submitter. Criteria: Ambry Variant Classification Scheme 2023. Collection method: clinical testing. Allele origin: germline.